The following is an entry in ClinVar:

ClinVar aggregate classification (germline): Uncertain significance (1 of 4 stars; one submission).

Submission:

GeneDx
Classification: Uncertain significance. Last evaluated: 2022-03-28. Review status: criteria provided, single submitter. Criteria: GeneDx Variant Classification Process June 2021. Collection method: clinical testing. Allele origin: germline. Affected: yes.
Comment: Not observed at significant frequency in large population cohorts (gnomAD); In silico analysis supports that this missense variant has a deleterious effect on protein structure/function; In addition, in silico analysis, which includes splice predictors and evolutionary conservation, suggests this variant may impact gene splicing. In the absence of RNA/functional studies, the actual effect of this sequence change is unknown.; Has not been previously published as pathogenic or benign to our knowledge

NM_007192.4(SUPT16H):c.2849C>T (p.Pro950Leu)

Gene: SUPT16H (SPT16 homolog, facilitates chromatin remodeling subunit; minus strand). Cytogenetic location: 14q11.2.
Variant type: single nucleotide variant.
Coding change: c.2849C>T on transcript NM_007192.4 (MANE Select); coding-DNA position 2849, C replaced by T.
Protein change: p.Pro950Leu; replaces proline 950 with leucine.
Molecular consequence: missense variant.
Genome position (GRCh38, 1-based): chr14:21,353,774, G>A on the plus strand (C>T on the coding strand, the complement: SUPT16H is on the minus strand). VCF-style: chr14-21353774-G-A. GRCh37 (hg19) VCF-style: chr14-21821933-G-A.
Other names: short protein forms P950L.
Identifiers: ClinVar variation 1707996 (VCV001707996.2), dbSNP rs1886372663, ClinGen allele CA388859757.